The following is an entry in ClinVar:

NM_001278116.2(L1CAM):c.3241C>T (p.Gln1081Ter)

Gene: L1CAM (L1 cell adhesion molecule; minus strand). Cytogenetic location: Xq28.
Variant type: single nucleotide variant.
Coding change: c.3241C>T on transcript NM_001278116.2 (MANE Select); coding-DNA position 3241, C replaced by T.
Protein change: p.Gln1081Ter; replaces glutamine 1081 with a stop codon.
Molecular consequence: nonsense.
Genome position (GRCh38, 1-based): chrX:153,864,403, G>A on the plus strand (C>T on the coding strand, the complement: L1CAM is on the minus strand). VCF-style: chrX-153864403-G-A. GRCh37 (hg19) VCF-style: chrX-153129858-G-A.
Other names: c.3241C>T, p.Gln1081Ter (NM_000425.5, NM_024003.3); c.3226C>T, p.Gln1076Ter (NM_001143963.2); short protein forms Q1076*, Q1081*.
Identifiers: ClinVar variation 974976 (VCV000974976.1), dbSNP rs2064692244, ClinGen allele CA415110874.

ClinVar aggregate classification (germline): Likely pathogenic (1 of 4 stars; one submission).

Conditions:
L1 syndrome. Identifiers: Orphanet 275543, MedGen C5779710, MONDO:0017140.

Submission:

Women's Health and Genetics/Laboratory Corporation of America, LabCorp
Classification: Likely pathogenic for L1 syndrome. Last evaluated: 2020-07-23. Review status: criteria provided, single submitter. Criteria: LabCorp Variant Classification Summary - May 2015. Collection method: clinical testing. Allele origin: germline.
Comment: Variant summary: L1CAM c.3241C>T (p.Gln1081X) results in a premature termination codon, predicted to cause a truncation of the encoded protein or absence of the protein due to nonsense mediated decay, which are commonly known mechanisms for disease. The variant was absent in 183394 control chromosomes. To our knowledge, no occurrence of c.3241C>T in individuals affected with L1 Syndrome and no experimental evidence demonstrating its impact on protein function have been reported. No clinical diagnostic laboratories have submitted clinical-significance assessments for this variant to ClinVar after 2014. Based on the evidence outlined above, the variant was classified as likely pathogenic.